The following is an entry in ClinVar:

NM_001374353.1(GLI2):c.1755C>T (p.Asp585=)

Gene: GLI2 (GLI family zinc finger 2; plus strand). Cytogenetic location: 2q14.2.
Variant type: single nucleotide variant.
Coding change: c.1755C>T on transcript NM_001374353.1 (MANE Select); coding-DNA position 1755, C replaced by T.
Protein change: p.Asp585=; no amino-acid change (aspartic acid 585 retained).
Molecular consequence: synonymous variant.
Genome position (GRCh38, 1-based): chr2:120,984,593, C>T. VCF-style: chr2-120984593-C-T. GRCh37 (hg19) VCF-style: chr2-121742169-C-T.
Other names: c.1806C>T, p.Asp602= (NM_001371271.1, NM_005270.5); c.1380C>T, p.Asp460= (NM_001374354.1).
Identifiers: ClinVar variation 330973 (VCV000330973.9), dbSNP rs139202322, ClinGen allele CA1852023.

ClinVar aggregate classification (germline): Likely benign. Review status: criteria provided, multiple submitters, no conflicts (2 of 4 stars). 2 submissions from 2 submitters: Likely benign (2). Last evaluated 2022-02-15.

Conditions:
Holoprosencephaly 9 (HPE9). Also called: HOLOPROSENCEPHALY WITH MICROPHTHALMIA AND FIRST BRANCHIAL ARCH ANOMALIES; PITUITARY ANOMALIES WITH HOLOPROSENCEPHALY-LIKE FEATURES. Identifiers: Orphanet 2162, MedGen C1835819, MONDO:0012563, OMIM 610829.
Postaxial polydactyly-anterior pituitary anomalies-facial dysmorphism syndrome. Also called: Culler-Jones syndrome. Identifiers: Orphanet 420584, MedGen C4014479, MONDO:0014369, OMIM 615849.

Allele frequency attached by ClinVar (database versions not stated): gnomAD 0.00001 and 0.00003; gnomAD exomes 0.00001 and 0.00002; TOPMed 0.00001; ExAC 0.00002; 1000 Genomes Project 30x 0.00016; 1000 Genomes Project 0.00020.
gnomAD v4.1: 15 of 1,614,242 alleles (0.00093%); highest among the groups gnomAD compares: Middle Eastern, 0.016%; no homozygotes.

Submissions (2):

Labcorp Genetics (formerly Invitae), Labcorp
Classification: Likely benign for Postaxial polydactyly-anterior pituitary anomalies-facial dysmorphism syndrome; Holoprosencephaly 9. Last evaluated: 2022-02-15. Review status: criteria provided, single submitter. Criteria: Invitae Variant Classification Sherloc (09022015). Collection method: clinical testing. Allele origin: germline.

Illumina Laboratory Services, Illumina
Classification: Likely benign for Holoprosencephaly 9. Last evaluated: 2018-01-13. Review status: criteria provided, single submitter. Criteria: ICSL Variant Classification Criteria 13 December 2019. Collection method: clinical testing. Allele origin: germline.
Comment: This variant was observed in the ICSL laboratory as part of a predisposition screen in an ostensibly healthy population. It had not been previously curated by ICSL or reported in the Human Gene Mutation Database (HGMD: prior to June 1st, 2018), and was therefore a candidate for classification through an automated scoring system. Utilizing variant allele frequency, disease prevalence and penetrance estimates, and inheritance mode, an automated score was calculated to assess if this variant is too frequent to cause the disease. Based on the score and internal cut-off values, a variant classified as likely benign is not then subjected to further curation. The score for this variant resulted in a classification of likely benign for this disease.